The following is an entry in ClinVar:

ClinVar aggregate classification (germline): Conflicting classifications of pathogenicity. Review status: criteria provided, conflicting classifications (1 of 4 stars). 4 submissions from 4 submitters: Uncertain significance (3); Likely benign (1). Last evaluated 2026-08-12.

Conditions:
Hereditary nonpolyposis colorectal neoplasms. Identifiers: MedGen C0009405, MeSH D003123.
Hereditary cancer-predisposing syndrome. Also called: Neoplastic Syndromes, Hereditary; Hereditary Cancer Syndrome; Tumor predisposition; Hereditary neoplastic syndrome. Identifiers: Orphanet 140162, MedGen C0027672, MeSH D009386, MONDO:0015356.
Endometrial carcinoma. Also called: Endometrial carcinoma, somatic. Identifiers: MedGen C0476089, MONDO:0002447, OMIM 608089, HP:0012114.

Submissions (4):

Ambry Genetics
Classification: Likely benign for Hereditary cancer-predisposing syndrome. Last evaluated: 2026-08-12. Review status: criteria provided, single submitter. Criteria: Ambry Variant Classification Scheme 2023. Collection method: clinical testing. Allele origin: germline.

Baylor Genetics
Classification: Uncertain significance for Endometrial carcinoma. Last evaluated: 2024-02-05. Review status: criteria provided, single submitter. Criteria: ACMG Guidelines, 2015. Collection method: clinical testing. Allele origin: unknown.

Labcorp Genetics (formerly Invitae), Labcorp
Classification: Uncertain significance for Hereditary nonpolyposis colorectal neoplasms. Last evaluated: 2023-06-05. Review status: criteria provided, single submitter. Criteria: Invitae Variant Classification Sherloc (09022015). Collection method: clinical testing. Allele origin: germline.
Comment: This variant has not been reported in the literature in individuals affected with MSH6-related conditions. ClinVar contains an entry for this variant (Variation ID: 410407). Advanced modeling of protein sequence and biophysical properties (such as structural, functional, and spatial information, amino acid conservation, physicochemical variation, residue mobility, and thermodynamic stability) performed at Invitae indicates that this missense variant is not expected to disrupt MSH6 protein function. In summary, the available evidence is currently insufficient to determine the role of this variant in disease. Therefore, it has been classified as a Variant of Uncertain Significance. This sequence change replaces valine, which is neutral and non-polar, with leucine, which is neutral and non-polar, at codon 215 of the MSH6 protein (p.Val215Leu). This variant is not present in population databases (gnomAD no frequency).

Color Diagnostics, LLC DBA Color Health
Classification: Uncertain significance for Hereditary cancer-predisposing syndrome. Last evaluated: 2018-12-14. Review status: criteria provided, single submitter. Criteria: ACMG Guidelines, 2015. Collection method: clinical testing. Allele origin: germline.

Literature cited by the submitters: PubMed 28135145 (cited by Ambry Genetics).

NM_000179.3(MSH6):c.643G>T (p.Val215Leu)

Gene: MSH6 (mutS homolog 6; plus strand). Cytogenetic location: 2p16.3.
Variant type: single nucleotide variant.
Coding change: c.643G>T on transcript NM_000179.3 (MANE Select); coding-DNA position 643, G replaced by T.
Protein change: p.Val215Leu; replaces valine 215 with leucine.
Molecular consequence: missense variant. On other transcripts: 5 prime UTR variant (2).
Genome position (GRCh38, 1-based): chr2:47,798,626, G>T. VCF-style: chr2-47798626-G-T. GRCh37 (hg19) VCF-style: chr2-48025765-G-T.
Other names: c.253G>T, p.Val85Leu (NM_001281492.2); c.-264G>T (NM_001281493.2, NM_001281494.2); short protein forms V215L, V85L.
Identifiers: ClinVar variation 410407 (VCV000410407.20), dbSNP rs145959653, ClinGen allele CA16611108.